The following is an entry in ClinVar:

NM_001291867.2(NHS):c.4433_4436delinsA (p.Ser1478_Ser1479delinsAsn)

Gene: NHS (NHS actin remodeling regulator; plus strand). Cytogenetic location: Xp22.13.
Variant type: Indel.
Coding change: c.4433_4436delinsA on transcript NM_001291867.2 (MANE Select); coding-DNA positions 4433 to 4436, GCAG replaced by A.
Protein change: p.Ser1478_Ser1479delinsAsn.
Molecular consequence: inframe indel.
Genome position (GRCh38, 1-based): chrX:17,731,941-17,731,944, GCAG replaced by A. VCF-style: chrX-17731941-GCAG-A. GRCh37 (hg19) VCF-style: chrX-17750061-GCAG-A.
Other names: c.3902_3905delinsA, p.Ser1301_Ser1302delinsAsn (NM_001136024.4); c.3839_3842delinsA, p.Ser1280_Ser1281delinsAsn (NM_001291868.2); c.4370_4373delinsA, p.Ser1457_Ser1458delinsAsn (NM_198270.4).
Identifiers: ClinVar variation 451241 (VCV000451241.2), dbSNP rs1556040732, ClinGen allele CA658658935.
Genomic context (GRCh38, chrX:17,731,941, plus strand): 5'-GAAAAGATTCCGGGGACATGTCTGTTCGAAGCAAATCGAGAGCTCCCCTCAGCAGTAGCA[GCAG>A]CAGCGCCAGTTCCATCACTTCACCCAGCAGTAATGTGACAACCCCCAACAGCCAGAGGTC-3'

ClinVar aggregate classification (germline): Uncertain significance (1 of 4 stars; one submission).

Submission:

GeneDx
Classification: Uncertain significance. Last evaluated: 2017-08-03. Review status: criteria provided, single submitter. Criteria: GeneDx Variant Classification (06012015). Collection method: clinical testing. Allele origin: germline. Affected: yes.
Comment: The c.4370_4373delGCAGinsA variant in the NHS gene has not been reported previously as a pathogenic variant nor as a benign variant, to our knowledge. The c.4370_4373delGCAGinsA variant causes an in-frame deletion of two amino acids, codons Serine 1457 and Serine 1458, and the insertion of an Asparagine residue, denoted p.Ser1457_Ser1458delinsAsn. This deletion and insertion event occurs at positions that are not conserved, and in silico analysis is inconsistent in its predictions as to whether or not the variant is damaging to the protein structure/function. The c.4370_4373delGCAGinsA variant is not observed in large population cohorts (Lek et al., 2016; 1000 Genomes Consortium et al., 2015; Exome Variant Server). We interpret c.4370_4373delGCAGinsA as a variant of uncertain significance.